The following is an entry in ClinVar:

NM_012062.5(DNM1L):c.572T>C (p.Met191Thr)

Gene: DNM1L (dynamin 1 like; plus strand). Cytogenetic location: 12p11.21.
Variant type: single nucleotide variant.
Coding change: c.572T>C on transcript NM_012062.5 (MANE Select); coding-DNA position 572, T replaced by C.
Protein change: p.Met191Thr; replaces methionine 191 with threonine.
Molecular consequence: missense variant. On other transcripts: intron variant (1).
Genome position (GRCh38, 1-based): chr12:32,713,324, T>C. VCF-style: chr12-32713324-T-C. GRCh37 (hg19) VCF-style: chr12-32866258-T-C.
Other names: c.572T>C, p.Met191Thr (NM_001278463.2, NM_005690.5, NM_012063.4); c.611T>C, p.Met204Thr (NM_001278464.2, NM_001278465.2, NM_001330380.2); c.131+5911T>C (NM_001278466.2); short protein forms M191T, M204T.
Identifiers: ClinVar variation 2810445 (VCV002810445.3), dbSNP rs780965041, ClinGen allele CA6507370.
Genomic context (GRCh38, chr12:32,713,324, plus strand): 5'-TTCGGTTCATCAGTAATCCTAATTCCATTATCCTCGCTGTCACTGCTGCTAATACAGATA[T>C]GGCAACATCAGAGGCACTTAAAATTTCAAGAGAGGTAGATCCAGATGGTAAGGACAGATG-3'
Protein context (NP_036192.2, residues 181-201): ILAVTAANTD[Met191Thr]ATSEALKISR

ClinVar aggregate classification (germline): Uncertain significance (1 of 4 stars; one submission).

Allele frequency attached by ClinVar (database versions not stated): gnomAD exomes below 0.00001; ExAC 0.00001.

Submission:

Labcorp Genetics (formerly Invitae), Labcorp
Classification: Uncertain significance. Last evaluated: 2024-03-19. Review status: criteria provided, single submitter. Criteria: Invitae Variant Classification Sherloc (09022015). Collection method: clinical testing. Allele origin: germline.
Comment: This sequence change replaces methionine, which is neutral and non-polar, with threonine, which is neutral and polar, at codon 191 of the DNM1L protein (p.Met191Thr). This variant is present in population databases (rs780965041, gnomAD 0.003%). This variant has not been reported in the literature in individuals affected with DNM1L-related conditions. An algorithm developed to predict the effect of missense changes on protein structure and function (PolyPhen-2) suggests that this variant is likely to be disruptive. In summary, the available evidence is currently insufficient to determine the role of this variant in disease. Therefore, it has been classified as a Variant of Uncertain Significance.